The following is an entry in ClinVar:

ClinVar aggregate classification (germline): Likely benign. Review status: criteria provided, single submitter (1 of 4 stars). 2 submissions from 2 submitters: Likely benign (1). 1 of the submissions does not count toward it. Last evaluated 2026-02-01.

Conditions:
HSPG2-related disorder. Also called: HSPG2-related condition; HSPG2-related disorders.

Allele frequency attached by ClinVar (database versions not stated): gnomAD exomes 0.00005 and 0.00021; ExAC 0.00006; 1000 Genomes Project 30x 0.00016; 1000 Genomes Project 0.00020; TOPMed 0.00053; gnomAD 0.00054 and 0.00056.
gnomAD v4.1: 151 of 1,614,126 alleles (0.0094%); highest among the groups gnomAD compares: Admixed American, 0.25%; 1 homozygote.

Submissions (2):

Labcorp Genetics (formerly Invitae), Labcorp
Classification: Likely benign. Last evaluated: 2026-02-01. Review status: criteria provided, single submitter. Criteria: Invitae Variant Classification Sherloc (09022015). Collection method: clinical testing. Allele origin: germline.

PreventionGenetics, part of Exact Sciences
Classification: Likely benign for HSPG2-related condition. Last evaluated: 2024-09-08. Review status: no assertion criteria provided. Collection method: clinical testing. Allele origin: germline. Not counted in ClinVar's aggregate classification.
Comment: This variant is classified as likely benign based on ACMG/AMP sequence variant interpretation guidelines (Richards et al. 2015 PMID: 25741868, with internal and published modifications).

NM_005529.7(HSPG2):c.8718C>G (p.Val2906=)

Gene: HSPG2 (heparan sulfate proteoglycan 2; minus strand). Cytogenetic location: 1p36.12.
Variant type: single nucleotide variant.
Coding change: c.8718C>G on transcript NM_005529.7 (MANE Select); coding-DNA position 8718, C replaced by G.
Protein change: p.Val2906=; no amino-acid change (valine 2906 retained).
Molecular consequence: synonymous variant.
Genome position (GRCh38, 1-based): chr1:21,843,337, G>C on the plus strand (C>G on the coding strand, the complement: HSPG2 is on the minus strand). VCF-style: chr1-21843337-G-C. GRCh37 (hg19) VCF-style: chr1-22169830-G-C.
Other names: c.8721C>G, p.Val2907= (NM_001291860.2).
Identifiers: ClinVar variation 718485 (VCV000718485.12), dbSNP rs532659701, ClinGen allele CA670684.